The following is an entry in ClinVar:

NM_005251.3(FOXC2):c.365A>C (p.His122Pro)

Genes: FOXC2 (forkhead box C2; plus strand), FOXC2-AS1 (FOXC2 antisense RNA 1; minus strand). Cytogenetic location: 16q24.1.
Variant type: single nucleotide variant.
Coding change: c.365A>C on transcript NM_005251.3 (MANE Select); coding-DNA position 365, A replaced by C.
Protein change: p.His122Pro; replaces histidine 122 with proline.
Molecular consequence: missense variant. On other transcripts: non-coding transcript variant (1).
Genome position (GRCh38, 1-based): chr16:86,567,700, A>C. VCF-style: chr16-86567700-A-C. GRCh37 (hg19) VCF-style: chr16-86601306-A-C.
Other names: short protein forms H122P.
Identifiers: ClinVar variation 3061401 (VCV003061401.2), dbSNP rs2507944556, ClinGen allele CA397006995.

ClinVar aggregate classification (germline): Uncertain significance (0 of 4 stars; one submission).

Conditions:
FOXC2-related disorder. Also called: FOXC2-related condition.

Submission:

PreventionGenetics, part of Exact Sciences
Classification: Uncertain significance for FOXC2-related condition. Last evaluated: 2024-05-17. Review status: no assertion criteria provided. Collection method: clinical testing. Allele origin: germline.
Comment: The FOXC2 c.365A>C variant is predicted to result in the amino acid substitution p.His122Pro. To our knowledge, this variant has not been reported in the literature or in a large population database, indicating this variant is rare. At this time, the clinical significance of this variant is uncertain due to the absence of conclusive functional and genetic evidence.